The following is an entry in ClinVar:

NM_003002.4(SDHD):c.170-12T>C

Gene: SDHD (succinate dehydrogenase complex subunit D; plus strand). Cytogenetic location: 11q23.1.
Variant type: single nucleotide variant.
Coding change: c.170-12T>C on transcript NM_003002.4 (MANE Select); 12 bases into the intron before coding-DNA position 170, T replaced by C.
Molecular consequence: intron variant.
Genome position (GRCh38, 1-based): chr11:112,088,855, T>C. VCF-style: chr11-112088855-T-C. GRCh37 (hg19) VCF-style: chr11-111959579-T-C.
Other names: c.170-12T>C (NM_001276506.2); c.169+882T>C (NM_001276503.2); c.53-12T>C (NM_001276504.2).
Identifiers: ClinVar variation 1594785 (VCV001594785.9), dbSNP rs764191089, ClinGen allele CA070763.

ClinVar aggregate classification (germline): Likely benign. Review status: criteria provided, multiple submitters, no conflicts (2 of 4 stars). 2 submissions from 2 submitters: Likely benign (2). Last evaluated 2025-11-19.

Conditions:
Carney-Stratakis syndrome. Also called: PARAGANGLIOMA AND GASTROINTESTINAL STROMAL TUMOR. Identifiers: Orphanet 97286, MedGen C1847319, MONDO:0011740, OMIM 606864.
Paragangliomas with sensorineural hearing loss. Identifiers: MedGen C1868633.
Cowden syndrome 3 (CWS3). Identifiers: Orphanet 201, MedGen CN166604, MONDO:0014045.
Pheochromocytoma. Also called: MAX-Related Hereditary Paraganglioma-Pheochromocytoma Syndrome. Identifiers: Orphanet 29072, MedGen C0031511, MONDO:0008233, OMIM 171300, HP:0002666.
Pheochromocytoma/paraganglioma syndrome 1. Also called: PARAGANGLIOMAS, FAMILIAL NONCHROMAFFIN, 1; PGL 1; Paragangliomas familial 1; PARAGANGLIOMATA; Paragangliomas 1; Glomus tumors familial 1. Identifiers: Orphanet 29072, MedGen C3494181, MONDO:0008192, OMIM 168000.

Allele frequency attached by ClinVar (database versions not stated): ExAC 0.00001; gnomAD exomes 0.00001.

Submissions (2):

Labcorp Genetics (formerly Invitae), Labcorp
Classification: Likely benign for Carney-Stratakis syndrome; Paragangliomas with sensorineural hearing loss; Pheochromocytoma; Cowden syndrome 3. Last evaluated: 2025-11-19. Review status: criteria provided, single submitter. Criteria: Invitae Variant Classification Sherloc (09022015). Collection method: clinical testing. Allele origin: germline.

Myriad Genetics, Inc.
Classification: Likely benign for Pheochromocytoma/paraganglioma syndrome 1. Last evaluated: 2025-03-17. Review status: criteria provided, single submitter. Criteria: Myriad Autosomal Dominant, Autosomal Recessive and X-Linked Classification Criteria (2023). Collection method: clinical testing. Allele origin: unknown.
Comment: This variant is considered likely benign. This variant is intronic and is not expected to impact mRNA splicing.